The following is an entry in ClinVar:

NM_017636.4(TRPM4):c.2296C>T (p.Arg766Cys)

Gene: TRPM4 (transient receptor potential cation channel subfamily M member 4; plus strand). Cytogenetic location: 19q13.33.
Variant type: single nucleotide variant.
Coding change: c.2296C>T on transcript NM_017636.4 (MANE Select); coding-DNA position 2296, C replaced by T.
Protein change: p.Arg766Cys; replaces arginine 766 with cysteine.
Molecular consequence: missense variant. On other transcripts: intron variant (1).
Genome position (GRCh38, 1-based): chr19:49,196,525, C>T. VCF-style: chr19-49196525-C-T. GRCh37 (hg19) VCF-style: chr19-49699782-C-T.
Other names: c.1951C>T, p.Arg651Cys (NM_001321281.2); c.688C>T, p.Arg230Cys (NM_001321282.2); c.1774C>T, p.Arg592Cys (NM_001321283.2); c.1234C>T, p.Arg412Cys (NM_001321285.2); c.2211-3775C>T (NM_001195227.2); short protein forms R230C, R592C, R766C, R412C, R651C.
Identifiers: ClinVar variation 1947403 (VCV001947403.5), dbSNP rs769909340, ClinGen allele CA9569526.

ClinVar aggregate classification (germline): Uncertain significance (1 of 4 stars; one submission).

Conditions:
Progressive familial heart block type IB (PFHB1B). Identifiers: Orphanet 871, MedGen C1970298, MONDO:0011474, OMIM 604559.

Allele frequency attached by ClinVar (database versions not stated): gnomAD 0.00001; gnomAD exomes 0.00001.
gnomAD v4.1: 5 of 1,553,934 alleles (0.00032%); highest among the groups gnomAD compares: Non-Finnish European, 0.00035%; no homozygotes.

Submission:

Labcorp Genetics (formerly Invitae), Labcorp
Classification: Uncertain significance for Progressive familial heart block type IB. Last evaluated: 2024-05-02. Review status: criteria provided, single submitter. Criteria: Invitae Variant Classification Sherloc (09022015). Collection method: clinical testing. Allele origin: germline.
Comment: This sequence change replaces arginine, which is basic and polar, with cysteine, which is neutral and slightly polar, at codon 766 of the TRPM4 protein (p.Arg766Cys). The frequency data for this variant in the population databases is considered unreliable, as metrics indicate poor data quality at this position in the gnomAD database. This variant has not been reported in the literature in individuals affected with TRPM4-related conditions. ClinVar contains an entry for this variant (Variation ID: 1947403). An algorithm developed to predict the effect of missense changes on protein structure and function (PolyPhen-2) suggests that this variant is likely to be disruptive. In summary, the available evidence is currently insufficient to determine the role of this variant in disease. Therefore, it has been classified as a Variant of Uncertain Significance.